The following is an entry in ClinVar:

ClinVar aggregate classification (germline): Uncertain significance (1 of 4 stars; one submission).

Conditions:
Wilson-Turner syndrome (WTS). Also called: MENTAL RETARDATION, X-LINKED, SYNDROMIC 6; INTELLECTUAL DEVELOPMENTAL DISORDER, X-LINKED, SYNDROMIC, WILSON-TURNER TYPE. Identifiers: Orphanet 3459, MedGen C1839736, MONDO:0010665, OMIM 309585.

Submission:

Laboratorio de Genetica e Diagnostico Molecular, Hospital Israelita Albert Einstein
Classification: Uncertain significance for Wilson-Turner syndrome. Last evaluated: 2025-04-07. Review status: criteria provided, single submitter. Criteria: ACMG Guidelines, 2015. Collection method: clinical testing. Allele origin: germline. Affected: yes.
Comment: ACMG classification criteria: PM2 supporting, BP4 supporting

NM_031206.7(LAS1L):c.1742A>T (p.Glu581Val)

Gene: LAS1L (LAS1 like ribosome biogenesis factor; minus strand). Cytogenetic location: Xq12.
Variant type: single nucleotide variant.
Coding change: c.1742A>T on transcript NM_031206.7 (MANE Select); coding-DNA position 1742, A replaced by T.
Protein change: p.Glu581Val; replaces glutamic acid 581 with valine.
Molecular consequence: missense variant. On other transcripts: non-coding transcript variant (1).
Genome position (GRCh38, 1-based): chrX:65,518,172, T>A on the plus strand (A>T on the coding strand, the complement: LAS1L is on the minus strand). VCF-style: chrX-65518172-T-A. GRCh37 (hg19) VCF-style: chrX-64738052-T-A.
Other names: c.1691A>T, p.Glu564Val (NM_001170649.2, NM_001375333.1); c.1565A>T, p.Glu522Val (NM_001170650.2); c.1742A>T, p.Glu581Val (NM_001375328.1); c.785A>T, p.Glu262Val (NM_001375332.1); short protein forms E262V, E522V, E564V, E581V.
Identifiers: ClinVar variation 4056578 (VCV004056578.1).